The following is an entry in ClinVar:

ClinVar aggregate classification (germline): Pathogenic. Review status: criteria provided, multiple submitters, no conflicts (2 of 4 stars). 6 submissions from 6 submitters: Pathogenic (6). Last evaluated 2024-02-13.

Conditions:
Hereditary cancer-predisposing syndrome. Also called: Hereditary Cancer Syndrome; Hereditary neoplastic syndrome; Tumor predisposition; Neoplastic Syndromes, Hereditary. Identifiers: Orphanet 140162, MedGen C0027672, MeSH D009386, MONDO:0015356.
Hereditary nonpolyposis colorectal neoplasms. Identifiers: MedGen C0009405, MeSH D003123.
Lynch syndrome 5 (LYNCH5). Also called: Colorectal cancer, hereditary nonpolyposis, type 5; Hereditary non-polyposis colorectal cancer, type 5. Identifiers: Orphanet 144, MedGen C1833477, MONDO:0013710, OMIM 614350. Disease mechanism: loss of function.

Submissions (6):

Myriad Genetics, Inc.
Classification: Pathogenic for Lynch syndrome 5. Last evaluated: 2024-02-13. Review status: criteria provided, single submitter. Criteria: Myriad Autosomal Dominant, Autosomal Recessive and X-Linked Classification Criteria (2023). Collection method: clinical testing. Allele origin: unknown.
Comment: This variant is considered pathogenic. This variant creates a termination codon and is predicted to result in premature protein truncation.

GeneDx
Classification: Pathogenic. Last evaluated: 2021-10-22. Review status: criteria provided, single submitter. Criteria: GeneDx Variant Classification Process June 2021. Collection method: clinical testing. Allele origin: germline. Affected: yes.
Comment: Nonsense variant predicted to result in protein truncation or nonsense mediated decay in a gene for which loss-of-function is a known mechanism of disease; Not observed at significant frequency in large population cohorts (Lek 2016); Truncating variants in this gene are considered pathogenic by a well-established clinical consortium and/or database; Observed in an individual with endometrial cancer and a borderline ovarian tumor (Susswein 2016); This variant is associated with the following publications: (PMID: 30322717, 26681312)

Ambry Genetics
Classification: Pathogenic for Hereditary cancer-predisposing syndrome. Last evaluated: 2020-12-21. Review status: criteria provided, single submitter. Criteria: Ambry Variant Classification Scheme 2023. Collection method: clinical testing. Allele origin: germline.
Comment: The p.W414* pathogenic mutation (also known as c.1241G>A), located in coding exon 4 of the MSH6 gene, results from a G to A substitution at nucleotide position 1241. This changes the amino acid from a tryptophan to a stop codon within coding exon 4. This variant has been identified in multiple patients referred for evaluation by an NGS hereditary cancer panel (Roberts ME et al. Genet Med, 2018 10;20:1167-1174; Susswein LR et al. Genet Med, 2016 08;18:823-32; Carter NJ et al. Gynecol Oncol, 2018 12;151:481-488). In addition to the clinical data presented in the literature, this alteration is expected to result in loss of function by premature protein truncation or nonsense-mediated mRNA decay. As such, this alteration is interpreted as a disease-causing mutation.

Color Diagnostics, LLC DBA Color Health
Classification: Pathogenic for Hereditary cancer-predisposing syndrome. Last evaluated: 2020-02-06. Review status: criteria provided, single submitter. Criteria: ACMG Guidelines, 2015. Collection method: clinical testing. Allele origin: germline.
Comment: This variant changes 1 nucleotide in exon 4 of the MSH6 gene, creating a premature translation stop signal. This variant is expected to result in an absent or non-functional protein product. Splice site prediction tools suggest that this variant may not impact RNA splicing. To our knowledge, functional studies have not been performed for this variant. This variant has been reported in an individual affected with endometrial cancer (PMID: 26681312). This variant has not been identified in the general population by the Genome Aggregation Database (gnomAD). Loss of MSH6 function is a known mechanism of disease. Based on the available evidence, this variant is classified as Pathogenic.

Labcorp Genetics (formerly Invitae), Labcorp
Classification: Pathogenic for Hereditary nonpolyposis colorectal neoplasms. Last evaluated: 2017-05-23. Review status: criteria provided, single submitter. Criteria: Invitae Variant Classification Sherloc (09022015). Collection method: clinical testing. Allele origin: germline.
Comment: For these reasons, this variant has been classified as Pathogenic. While this particular variant has not been reported in the literature, loss-of-function variants in MSH6 are known to be pathogenic (PMID: 24362816, 18269114). This sequence change creates a premature translational stop signal (p.Trp414*) in the MSH6 gene. It is expected to result in an absent or disrupted protein product.

ARUP Laboratories, Molecular Genetics and Genomics, ARUP Laboratories
Classification: Pathogenic. Last evaluated: 2017-01-20. Review status: criteria provided, single submitter. Criteria: ARUP Molecular Germline Variant Investigation Process. Collection method: clinical testing. Allele origin: germline.

Literature cited by the submitters: PubMed 26681312 (cited by Ambry Genetics); PubMed 29345684 (cited by Ambry Genetics); PubMed 30322717 (cited by Ambry Genetics); PubMed 24362816 (cited by Labcorp Genetics (formerly Invitae), Labcorp); PubMed 18269114 (cited by Labcorp Genetics (formerly Invitae), Labcorp).

NM_000179.3(MSH6):c.1241G>A (p.Trp414Ter)

Gene: MSH6 (mutS homolog 6; plus strand). Cytogenetic location: 2p16.3.
Variant type: single nucleotide variant.
Coding change: c.1241G>A on transcript NM_000179.3 (MANE Select); coding-DNA position 1241, G replaced by A.
Protein change: p.Trp414Ter; replaces tryptophan 414 with a stop codon.
Molecular consequence: nonsense.
Genome position (GRCh38, 1-based): chr2:47,799,224, G>A. VCF-style: chr2-47799224-G-A. GRCh37 (hg19) VCF-style: chr2-48026363-G-A.
Other names: p.W414*:TGG>TAG; c.851G>A, p.Trp284Ter (NM_001281492.2); c.335G>A, p.Trp112Ter (NM_001281493.2, NM_001281494.2); short protein forms W414*, W112*, W284*.
Identifiers: ClinVar variation 127558 (VCV000127558.22), dbSNP rs587779914, ClinGen allele CA008355.